The following is an entry in ClinVar:

ClinVar aggregate classification (germline): Uncertain significance (0 of 4 stars; one submission).

Conditions:
BBS1-related disorder. Also called: BBS1-related condition.

gnomAD v4.1: 2 of 1,614,076 alleles (0.00012%); highest among the groups gnomAD compares: Admixed American, 0.0033%; no homozygotes.

Submission:

PreventionGenetics, part of Exact Sciences
Classification: Uncertain significance for BBS1-related condition. Last evaluated: 2024-06-27. Review status: no assertion criteria provided. Collection method: clinical testing. Allele origin: germline.
Comment: The BBS1 c.166G>A variant is predicted to result in the amino acid substitution p.Val56Ile. To our knowledge, this variant has not been reported in the literature. This variant is reported in 0.0029% of alleles in individuals of Latino descent in gnomAD. At this time, the clinical significance of this variant is uncertain due to the absence of conclusive functional and genetic evidence.

NM_024649.5(BBS1):c.166G>A (p.Val56Ile)

Gene: BBS1 (Bardet-Biedl syndrome 1; plus strand). Cytogenetic location: 11q13.2.
Variant type: single nucleotide variant.
Coding change: c.166G>A on transcript NM_024649.5 (MANE Select); coding-DNA position 166, G replaced by A.
Protein change: p.Val56Ile; replaces valine 56 with isoleucine.
Molecular consequence: missense variant.
Genome position (GRCh38, 1-based): chr11:66,514,412, G>A. VCF-style: chr11-66514412-G-A. GRCh37 (hg19) VCF-style: chr11-66281883-G-A.
Other names: short protein forms V56I.
Identifiers: ClinVar variation 3353769 (VCV003353769.1).